The following is an entry in ClinVar:

ClinVar aggregate classification (germline): Uncertain significance. Review status: criteria provided, multiple submitters, no conflicts (2 of 4 stars). 2 submissions from 2 submitters: Uncertain significance (2). Last evaluated 2025-08-18.

Conditions:
Hereditary cancer-predisposing syndrome. Also called: Neoplastic Syndromes, Hereditary; Hereditary Cancer Syndrome; Tumor predisposition; Hereditary neoplastic syndrome. Identifiers: Orphanet 140162, MedGen C0027672, MeSH D009386, MONDO:0015356.

Allele frequency attached by ClinVar (database versions not stated): gnomAD exomes below 0.00001.

Submissions (2):

Labcorp Genetics (formerly Invitae), Labcorp
Classification: Uncertain significance. Last evaluated: 2025-08-18. Review status: criteria provided, single submitter. Criteria: Invitae Variant Classification Sherloc (09022015). Collection method: clinical testing. Allele origin: germline.
Comment: This sequence change replaces glutamine, which is neutral and polar, with arginine, which is basic and polar, at codon 150 of the HOXB13 protein (p.Gln150Arg). This variant is not present in population databases (gnomAD no frequency). This variant has not been reported in the literature in individuals affected with HOXB13-related conditions. ClinVar contains an entry for this variant (Variation ID: 1377811). Invitae Evidence Modeling of protein sequence and biophysical properties (such as structural, functional, and spatial information, amino acid conservation, physicochemical variation, residue mobility, and thermodynamic stability) indicates that this missense variant is not expected to disrupt HOXB13 protein function with a negative predictive value of 80%. In summary, the available evidence is currently insufficient to determine the role of this variant in disease. Therefore, it has been classified as a Variant of Uncertain Significance.

Ambry Genetics
Classification: Uncertain significance for Hereditary cancer-predisposing syndrome. Last evaluated: 2023-03-18. Review status: criteria provided, single submitter. Criteria: Ambry Variant Classification Scheme 2023. Collection method: clinical testing. Allele origin: germline.
Comment: The p.Q150R variant (also known as c.449A>G), located in coding exon 1 of the HOXB13 gene, results from an A to G substitution at nucleotide position 449. The glutamine at codon 150 is replaced by arginine, an amino acid with highly similar properties. This amino acid position is conserved. In addition, the in silico prediction for this alteration is inconclusive. Since supporting evidence is limited at this time, the clinical significance of this alteration remains unclear.

NM_006361.6(HOXB13):c.449A>G (p.Gln150Arg)

Gene: HOXB13 (homeobox B13; minus strand). Cytogenetic location: 17q21.32.
Variant type: single nucleotide variant.
Coding change: c.449A>G on transcript NM_006361.6 (MANE Select); coding-DNA position 449, A replaced by G.
Protein change: p.Gln150Arg; replaces glutamine 150 with arginine.
Molecular consequence: missense variant.
Genome position (GRCh38, 1-based): chr17:48,728,145, T>C on the plus strand (A>G on the coding strand, the complement: HOXB13 is on the minus strand). VCF-style: chr17-48728145-T-C. GRCh37 (hg19) VCF-style: chr17-46805507-T-C.
Other names: c.449A>G (NM_006361.5); short protein forms Q150R.
Identifiers: ClinVar variation 1377811 (VCV001377811.7), dbSNP rs2143071996, ClinGen allele CA400107429.
Genomic context (GRCh38, chr17:48,728,145, plus strand): 5'-TGGTAACTGTCCACAGGCAACAGGGAGTCATGTCGCGGTTCTCCAGGAGCACCCAGAGTC[T>C]GCACCACAGACACGTCCAGGTAACTGGCCATAGGCTGGTAGGTTCCCGGATATCCCGGAT-3'
Protein context (NP_006352.2, residues 140-160): MASYLDVSVV[Gln150Arg]TLGAPGEPRH